The following is an entry in ClinVar:

NM_014915.3(ANKRD26):c.1102G>A (p.Ala368Thr)

Gene: ANKRD26 (ankyrin repeat domain 26; minus strand). Cytogenetic location: 10p12.1.
Variant type: single nucleotide variant.
Coding change: c.1102G>A on transcript NM_014915.3 (MANE Select); coding-DNA position 1102, G replaced by A.
Protein change: p.Ala368Thr; replaces alanine 368 with threonine.
Molecular consequence: missense variant.
Genome position (GRCh38, 1-based): chr10:27,067,262, C>T on the plus strand (G>A on the coding strand, the complement: ANKRD26 is on the minus strand). VCF-style: chr10-27067262-C-T. GRCh37 (hg19) VCF-style: chr10-27356191-C-T.
Other names: c.1102G>A, p.Ala368Thr (NM_001256053.2); short protein forms A368T.
Identifiers: ClinVar variation 4580289 (VCV004580289.1).

ClinVar aggregate classification (germline): Uncertain significance (1 of 4 stars; one submission).

Conditions:
Inborn genetic diseases. Identifiers: MedGen C0950123, MeSH D030342.

Submission:

Ambry Genetics
Classification: Uncertain significance for Inborn genetic diseases. Last evaluated: 2025-12-03. Review status: criteria provided, single submitter. Criteria: Ambry Variant Classification Scheme 2023. Collection method: clinical testing. Allele origin: germline.
Comment: The p.A368T variant (also known as c.1102G>A), located in coding exon 10 of the ANKRD26 gene, results from a G to A substitution at nucleotide position 1102. The alanine at codon 368 is replaced by threonine, an amino acid with similar properties. This amino acid position is conserved. In addition, this alteration is predicted to be tolerated by in silico analysis. Based on the available evidence, the clinical significance of this variant remains unclear.